The following is an entry in ClinVar:

ClinVar aggregate classification (germline): Conflicting classifications of pathogenicity. Review status: criteria provided, conflicting classifications (1 of 4 stars). 7 submissions from 6 submitters: Uncertain significance (5); Benign (1); Likely benign (1). Last evaluated 2026-01-25.

Conditions:
Hereditary cancer-predisposing syndrome. Also called: Tumor predisposition; Neoplastic Syndromes, Hereditary; Hereditary Cancer Syndrome; Hereditary neoplastic syndrome. Identifiers: Orphanet 140162, MedGen C0027672, MeSH D009386, MONDO:0015356.
Cardiovascular phenotype. Identifiers: MedGen CN230736.
NF1-related disorder. Also called: NF1-related condition. Identifiers: MedGen CN379171.
Neurofibromatosis, type 1 (NF1). Also called: Neurofibromatosis, type I; NEUROFIBROMATOSIS, TYPE I, SOMATIC; Peripheral type neurofibromatosis; VON RECKLINGHAUSEN DISEASE. Identifiers: Orphanet 636, MedGen C0027831, MONDO:0018975, OMIM 162200. Disease mechanism: loss of function.
Café-au-lait macules with pulmonary stenosis (WTSN). Also called: PULMONIC STENOSIS WITH CAFE-AU-LAIT SPOTS. Identifiers: MedGen C0553586, MONDO:0008672, OMIM 193520.
Juvenile myelomonocytic leukemia (JMML). Also called: LEUKEMIA, JUVENILE MYELOMONOCYTIC, SOMATIC. Identifiers: Orphanet 86834, MedGen C0349639, MONDO:0011908, OMIM 607785, HP:0012209.
Neurofibromatosis-Noonan syndrome (NFNS). Also called: NEUROFIBROMATOSIS WITH NOONAN PHENOTYPE. Identifiers: Orphanet 638, MedGen C2931482, MONDO:0011035, OMIM 601321. Disease mechanism: loss of function.
Neurofibromatosis, familial spinal (FSNF). Identifiers: Orphanet 636, MedGen C1834235, MONDO:0008078, OMIM 162210. Disease mechanism: loss of function.

Allele frequency attached by ClinVar (database versions not stated): ExAC 0.00001; gnomAD 0.00001; gnomAD exomes 0.00001; TOPMed 0.00002.
gnomAD v4.1: 11 of 1,614,060 alleles (0.00068%); highest among the groups gnomAD compares: Middle Eastern, 0.016%; no homozygotes.

Submissions (7):

Labcorp Genetics (formerly Invitae), Labcorp
Classification: Benign for Neurofibromatosis, type 1. Last evaluated: 2026-01-25. Review status: criteria provided, single submitter. Criteria: Invitae Variant Classification Sherloc (09022015). Collection method: clinical testing. Allele origin: germline.

Fulgent Genetics
Classification: Uncertain significance for Neurofibromatosis, type 1; Neurofibromatosis, familial spinal; Café-au-lait macules with pulmonary stenosis; Neurofibromatosis-Noonan syndrome; Juvenile myelomonocytic leukemia. Last evaluated: 2024-05-10. Review status: criteria provided, single submitter. Criteria: ACMG Guidelines, 2015. Collection method: clinical testing. Allele origin: germline.

Baylor Genetics
Classification: Uncertain significance for Juvenile myelomonocytic leukemia. Last evaluated: 2023-10-26. Review status: criteria provided, single submitter. Criteria: ACMG Guidelines, 2015. Collection method: clinical testing. Allele origin: unknown.

PreventionGenetics, part of Exact Sciences
Classification: Uncertain significance for NF1-related condition. Last evaluated: 2023-04-19. Review status: criteria provided, single submitter. Criteria: ACMG Guidelines, 2015. Collection method: clinical testing. Allele origin: germline.
Comment: The NF1 c.964A>G variant is predicted to result in the amino acid substitution p.Ile322Val. To our knowledge, this variant has not been reported in the literature. This variant is reported in 0.0018% of alleles in individuals of European (Non-Finnish) descent in gnomAD. At this time, the clinical significance of this variant is uncertain due to the absence of conclusive functional and genetic evidence.

Ambry Genetics
Classification: Likely benign for Cardiovascular phenotype; Hereditary cancer-predisposing syndrome. Last evaluated: 2022-12-20. Review status: criteria provided, single submitter. Criteria: Ambry Variant Classification Scheme 2023. Collection method: clinical testing. Allele origin: germline.

Genome-Nilou Lab
Classification: Uncertain significance for Neurofibromatosis, type 1. Last evaluated: 2022-03-15. Review status: criteria provided, single submitter. Criteria: ACMG Guidelines, 2015. Collection method: clinical testing. Allele origin: germline. Affected: no.

Baylor Genetics
Classification: Uncertain significance for Neurofibromatosis, type 1. Last evaluated: 2022-01-27. Review status: criteria provided, single submitter. Criteria: ACMG Guidelines, 2015. Collection method: clinical testing. Allele origin: unknown.

NM_001042492.3(NF1):c.964A>G (p.Ile322Val)

Gene: NF1 (neurofibromin 1; plus strand). Cytogenetic location: 17q11.2.
Variant type: single nucleotide variant.
Coding change: c.964A>G on transcript NM_001042492.3 (MANE Select); coding-DNA position 964, A replaced by G.
Protein change: p.Ile322Val; replaces isoleucine 322 with valine.
Molecular consequence: missense variant.
Genome position (GRCh38, 1-based): chr17:31,200,497, A>G. VCF-style: chr17-31200497-A-G. GRCh37 (hg19) VCF-style: chr17-29527515-A-G.
Other names: c.964A>G, p.Ile322Val (NM_000267.4, NM_001128147.3); short protein forms I322V.
Identifiers: ClinVar variation 404522 (VCV000404522.19), dbSNP rs755007999, ClinGen allele CA8485664.